The following is an entry in ClinVar:

NM_001083116.3(PRF1):c.1639C>T (p.Pro547Ser)

Gene: PRF1 (perforin 1; minus strand). Cytogenetic location: 10q22.1.
Variant type: single nucleotide variant.
Coding change: c.1639C>T on transcript NM_001083116.3 (MANE Select); coding-DNA position 1639, C replaced by T.
Protein change: p.Pro547Ser; replaces proline 547 with serine.
Molecular consequence: missense variant.
Genome position (GRCh38, 1-based): chr10:70,598,082, G>A on the plus strand (C>T on the coding strand, the complement: PRF1 is on the minus strand). VCF-style: chr10-70598082-G-A. GRCh37 (hg19) VCF-style: chr10-72357838-G-A.
Other names: c.1639C>T, p.Pro547Ser (NM_005041.6); short protein forms P547S.
Identifiers: ClinVar variation 4071831 (VCV004071831.1).

ClinVar aggregate classification (germline): Uncertain significance (1 of 4 stars; one submission).

Submission:

GeneDx
Classification: Uncertain significance. Last evaluated: 2025-01-22. Review status: criteria provided, single submitter. Criteria: GeneDx Variant Classification Process June 2021. Collection method: clinical testing. Allele origin: germline. Affected: yes.
Comment: Not observed at significant frequency in large population cohorts (gnomAD); In silico analysis indicates that this missense variant does not alter protein structure/function; Has not been previously published as pathogenic or benign to our knowledge